The following is an entry in ClinVar:

NM_002528.7(NTHL1):c.-6T>C

Gene: NTHL1 (nth like DNA glycosylase 1; minus strand). Cytogenetic location: 16p13.3.
Variant type: single nucleotide variant.
Coding change: c.-6T>C on transcript NM_002528.7 (MANE Select); 6 bases upstream of the start codon, T replaced by C.
Molecular consequence: 5 prime UTR variant.
Genome position (GRCh38, 1-based): chr16:2,047,829, A>G on the plus strand (T>C on the coding strand, the complement: NTHL1 is on the minus strand). VCF-style: chr16-2047829-A-G. GRCh37 (hg19) VCF-style: chr16-2097830-A-G.
Other names: c.-6T>C (NM_001318193.2); c.-184T>C (NM_001318194.2); c.19T>C (NM_002528.5).
Identifiers: ClinVar variation 2701455 (VCV002701455.4), dbSNP rs1489806329, ClinGen allele CA394298801.

ClinVar aggregate classification (germline): Uncertain significance. Review status: criteria provided, multiple submitters, no conflicts (2 of 4 stars). 2 submissions from 2 submitters: Uncertain significance (2). Last evaluated 2024-06-12.

Conditions:
Hereditary cancer-predisposing syndrome. Also called: Hereditary neoplastic syndrome; Neoplastic Syndromes, Hereditary; Hereditary Cancer Syndrome; Tumor predisposition. Identifiers: Orphanet 140162, MedGen C0027672, MeSH D009386, MONDO:0015356.

Submissions (2):

Ambry Genetics
Classification: Uncertain significance for Hereditary cancer-predisposing syndrome. Last evaluated: 2024-06-12. Review status: criteria provided, single submitter. Criteria: Ambry Variant Classification Scheme 2023. Collection method: clinical testing. Allele origin: germline.
Comment: The p.S7P variant (also known as c.19T>C), located in coding exon 1 of the NTHL1 gene, results from a T to C substitution at nucleotide position 19. The serine at codon 7 is replaced by proline, an amino acid with similar properties. This amino acid position is conserved. In addition, this alteration is predicted to be tolerated by in silico analysis. Based on the available evidence, the clinical significance of this variant remains unclear.

Labcorp Genetics (formerly Invitae), Labcorp
Classification: Uncertain significance. Last evaluated: 2023-12-08. Review status: criteria provided, single submitter. Criteria: Invitae Variant Classification Sherloc (09022015). Collection method: clinical testing. Allele origin: germline.
Comment: This sequence change replaces serine, which is neutral and polar, with proline, which is neutral and non-polar, at codon 7 of the NTHL1 protein (p.Ser7Pro). This variant is not present in population databases (gnomAD no frequency). This variant has not been reported in the literature in individuals affected with NTHL1-related conditions. Algorithms developed to predict the effect of missense changes on protein structure and function output the following: SIFT: "Not Available"; PolyPhen-2: "Benign"; Align-GVGD: "Not Available". The proline amino acid residue is found in multiple mammalian species, which suggests that this missense change does not adversely affect protein function. In summary, the available evidence is currently insufficient to determine the role of this variant in disease. Therefore, it has been classified as a Variant of Uncertain Significance.